The following is an entry in ClinVar:

NM_005219.5(DIAPH1):c.1342del (p.Ala448fs)

Gene: DIAPH1 (diaphanous related formin 1; minus strand). Cytogenetic location: 5q31.3.
Variant type: Deletion.
Coding change: c.1342del on transcript NM_005219.5 (MANE Select); coding-DNA position 1342, one base deleted (G; older notation c.1342delG).
Protein change: p.Ala448fs; shifts the reading frame from alanine 448.
Molecular consequence: frameshift variant.
Genome position (GRCh38, 1-based): chr5:141,576,810, C deleted on the plus strand (G on the coding strand, the reverse complement: DIAPH1 is on the minus strand); the first of 4 consecutive C bases (chr5:141,576,810-141,576,813); deleting any one gives the same sequence. VCF-style (leftmost placement, unchanged base first): chr5-141576809-GC-G. GRCh37 (hg19) VCF-style: chr5-140956376-GC-G.
Other names: c.1315del, p.Ala439fs (NM_001079812.3); c.1342del, p.Ala448fs (NM_001314007.2); short protein forms A439fs, A448fs.
Identifiers: ClinVar variation 4851793 (VCV004851793.1).

ClinVar aggregate classification (germline): Likely pathogenic (1 of 4 stars; one submission).

Submission:

Dasa
Classification: Likely pathogenic. Last evaluated: 2025-04-09. Review status: criteria provided, single submitter. Criteria: DASA Assertion Criteria. Collection method: clinical testing. Allele origin: germline.
Comment: NM_005219.5(DIAPH1):c.1342del (p.Ala448Leufs*17) introduces a premature termination codon predicted to result in loss of normal protein function. Loss-of-function is an established mechanism of disease for this gene. The variant is present at low frequency in population datasets. Based on the available data, this variant is classified as likely pathogenic.